The following is an entry in ClinVar:

NM_001164508.2(NEB):c.4738T>C (p.Tyr1580His)

Gene: NEB (nebulin; minus strand). Cytogenetic location: 2q23.3.
Variant type: single nucleotide variant.
Coding change: c.4738T>C on transcript NM_001164508.2 (MANE Select); coding-DNA position 4738, T replaced by C.
Protein change: p.Tyr1580His; replaces tyrosine 1580 with histidine.
Molecular consequence: missense variant.
Genome position (GRCh38, 1-based): chr2:151,666,383, A>G on the plus strand (T>C on the coding strand, the complement: NEB is on the minus strand). VCF-style: chr2-151666383-A-G. GRCh37 (hg19) VCF-style: chr2-152522897-A-G.
Other names: c.4738T>C, p.Tyr1580His (NM_001164507.2, NM_001271208.2, NM_004543.5); short protein forms Y1580H.
Identifiers: ClinVar variation 1520103 (VCV001520103.6), dbSNP rs2154179233, ClinGen allele CA348814121.

ClinVar aggregate classification (germline): Uncertain significance (1 of 4 stars; one submission).

Conditions:
Nemaline myopathy 2 (NEM2). Also called: Nemaline myopathy 2, autosomal recessive. Identifiers: MedGen C1850569, MONDO:0009725, OMIM 256030.

Submission:

Labcorp Genetics (formerly Invitae), Labcorp
Classification: Uncertain significance for Nemaline myopathy 2. Last evaluated: 2022-03-08. Review status: criteria provided, single submitter. Criteria: Invitae Variant Classification Sherloc (09022015). Collection method: clinical testing. Allele origin: germline.
Comment: In summary, the available evidence is currently insufficient to determine the role of this variant in disease. Therefore, it has been classified as a Variant of Uncertain Significance. Algorithms developed to predict the effect of missense changes on protein structure and function output the following: SIFT: "Deleterious"; PolyPhen-2: "Not Available"; Align-GVGD: "Class C0". The histidine amino acid residue is found in multiple mammalian species, which suggests that this missense change does not adversely affect protein function. This variant has not been reported in the literature in individuals affected with NEB-related conditions. This variant is not present in population databases (gnomAD no frequency). This sequence change replaces tyrosine, which is neutral and polar, with histidine, which is basic and polar, at codon 1580 of the NEB protein (p.Tyr1580His).